The following is an entry in ClinVar:

ClinVar aggregate classification (germline): Likely benign (1 of 4 stars; one submission).

Allele frequency attached by ClinVar (database versions not stated): ExAC 0.00139; TOPMed 0.00192; ESP Exome Variant Server 0.00200; gnomAD 0.00205; gnomAD exomes 0.00325.
gnomAD v4.1: 5,027 of 1,613,584 alleles (0.31%); highest among the groups gnomAD compares: Non-Finnish European, 0.4%; 23 homozygotes.

Submission:

CeGaT Center for Human Genetics Tuebingen
Classification: Likely benign. Last evaluated: 2022-12-01. Review status: criteria provided, single submitter. Criteria: CeGaT Center For Human Genetics Tuebingen Variant Classification Criteria Version 2. Collection method: clinical testing. Allele origin: germline. Affected: yes. Observed: 1 variant allele.
Comment: UBR2: BP4, BP7, BS2

NM_001363705.2(UBR2):c.4245T>C (p.His1415=)

Gene: UBR2 (ubiquitin protein ligase E3 component n-recognin 2; plus strand). Cytogenetic location: 6p21.1.
Variant type: single nucleotide variant.
Coding change: c.4245T>C on transcript NM_001363705.2 (MANE Select); coding-DNA position 4245, T replaced by C.
Protein change: p.His1415=; no amino-acid change (histidine 1415 retained).
Molecular consequence: synonymous variant.
Genome position (GRCh38, 1-based): chr6:42,674,187, T>C. VCF-style: chr6-42674187-T-C. GRCh37 (hg19) VCF-style: chr6-42641925-T-C.
Other names: c.4245T>C, p.His1415= (NM_015255.3).
Identifiers: ClinVar variation 2656562 (VCV002656562.24), dbSNP rs140224621, ClinGen allele CA3808140.